The following is an entry in ClinVar:

NM_001739.2(CA5A):c.123G>T (p.Trp41Cys)

Gene: CA5A (carbonic anhydrase 5A; minus strand). Cytogenetic location: 16q24.2.
Variant type: single nucleotide variant.
Coding change: c.123G>T on transcript NM_001739.2 (MANE Select); coding-DNA position 123, G replaced by T.
Protein change: p.Trp41Cys; replaces tryptophan 41 with cysteine.
Molecular consequence: missense variant. On other transcripts: non-coding transcript variant (2).
Genome position (GRCh38, 1-based): chr16:87,936,328, C>A on the plus strand (G>T on the coding strand, the complement: CA5A is on the minus strand). VCF-style: chr16-87936328-C-A. GRCh37 (hg19) VCF-style: chr16-87969934-C-A.
Other names: c.123G>T, p.Trp41Cys (NM_001367225.1); short protein forms W41C.
Identifiers: ClinVar variation 1447325 (VCV001447325.3), dbSNP rs374378501, ClinGen allele CA8223631.

ClinVar aggregate classification (germline): Uncertain significance (1 of 4 stars; one submission).

Conditions:
Hyperammonemic encephalopathy due to carbonic anhydrase VA deficiency. Also called: Carbonic Anhydrase VA Deficiency; Carbonic anhydrase VA deficiency, hyperammonemia due to. Identifiers: Orphanet 401948, MedGen C4706871, MONDO:0014332, OMIM 615751.

Allele frequency attached by ClinVar (database versions not stated): TOPMed 0.00005; ESP Exome Variant Server 0.00008; gnomAD 0.00009 and 0.00010; ExAC 0.00011; gnomAD exomes 0.00012.
gnomAD v4.1: 202 of 1,613,478 alleles (0.013%); highest among the groups gnomAD compares: South Asian, 0.058%; no homozygotes.

Submission:

Labcorp Genetics (formerly Invitae), Labcorp
Classification: Uncertain significance for Hyperammonemic encephalopathy due to carbonic anhydrase VA deficiency. Last evaluated: 2022-10-24. Review status: criteria provided, single submitter. Criteria: Invitae Variant Classification Sherloc (09022015). Collection method: clinical testing. Allele origin: germline.
Comment: This sequence change replaces tryptophan, which is neutral and slightly polar, with cysteine, which is neutral and slightly polar, at codon 41 of the CA5A protein (p.Trp41Cys). This variant is present in population databases (rs374378501, gnomAD 0.03%). This variant has not been reported in the literature in individuals affected with CA5A-related conditions. ClinVar contains an entry for this variant (Variation ID: 1447325). Advanced modeling of protein sequence and biophysical properties (such as structural, functional, and spatial information, amino acid conservation, physicochemical variation, residue mobility, and thermodynamic stability) performed at Invitae indicates that this missense variant is not expected to disrupt CA5A protein function. In summary, the available evidence is currently insufficient to determine the role of this variant in disease. Therefore, it has been classified as a Variant of Uncertain Significance.